The following is an entry in ClinVar:

NM_144687.4(NLRP12):c.2654G>A (p.Ser885Asn)

Gene: NLRP12 (NLR family pyrin domain containing 12; minus strand). Cytogenetic location: 19q13.42.
Variant type: single nucleotide variant.
Coding change: c.2654G>A on transcript NM_144687.4 (MANE Select); coding-DNA position 2654, G replaced by A.
Protein change: p.Ser885Asn; replaces serine 885 with asparagine.
Molecular consequence: missense variant.
Genome position (GRCh38, 1-based): chr19:53,801,329, C>T on the plus strand (G>A on the coding strand, the complement: NLRP12 is on the minus strand). VCF-style: chr19-53801329-C-T. GRCh37 (hg19) VCF-style: chr19-54304583-C-T.
Other names: c.2657G>A, p.Ser886Asn (NM_001277126.2); c.2654G>A, p.Ser885Asn (NM_001277129.1); short protein forms S885N, S886N.
Identifiers: ClinVar variation 970789 (VCV000970789.9), dbSNP rs760285772, ClinGen allele CA9638967.
Genomic context (GRCh38, chr19:53,801,329, plus strand): 5'-CACAGCAGCAGCACCCCGAGGTCCCCCAGCTCATTCAGGCTCAGGTCCAGCTCTCTCAGG[C>T]TCTGGTTCACACTGAGAGTTGAGGCCAGCTCGTCACAGGCAGCAGCAGTGAGGCGGCAGA-3'
Protein context (NP_653288.1, residues 875-895): ELASTLSVNQ[Ser885Asn]LRELDLSLNE

ClinVar aggregate classification (germline): Uncertain significance (1 of 4 stars; one submission).

Conditions:
Familial cold autoinflammatory syndrome 2 (FCAS2). Identifiers: Orphanet 247868, MedGen C2673198, MONDO:0012724, OMIM 611762.

Allele frequency attached by ClinVar (database versions not stated): ExAC 0.00001.

Submission:

Labcorp Genetics (formerly Invitae), Labcorp
Classification: Uncertain significance for Familial cold autoinflammatory syndrome 2. Last evaluated: 2019-10-11. Review status: criteria provided, single submitter. Criteria: Invitae Variant Classification Sherloc (09022015). Collection method: clinical testing. Allele origin: germline.
Comment: In summary, the available evidence is currently insufficient to determine the role of this variant in disease. Therefore, it has been classified as a Variant of Uncertain Significance. Algorithms developed to predict the effect of missense changes on protein structure and function output the following: SIFT: "Deleterious"; PolyPhen-2: "Benign"; Align-GVGD: "Class C0". The asparagine amino acid residue is found in multiple mammalian species, suggesting that this missense change does not adversely affect protein function. These predictions have not been confirmed by published functional studies and their clinical significance is uncertain. This sequence change replaces serine with asparagine at codon 885 of the NLRP12 protein (p.Ser885Asn). The serine residue is moderately conserved and there is a small physicochemical difference between serine and asparagine. This variant is present in population databases (rs760285772, ExAC 0.002%). This variant has not been reported in the literature in individuals with NLRP12-related conditions.